The following is an entry in ClinVar:

ClinVar aggregate classification (germline): Uncertain significance (1 of 4 stars; one submission).

Submission:

Ambry Genetics
Classification: Uncertain significance. Last evaluated: 2026-08-15. Review status: criteria provided, single submitter. Criteria: Ambry Variant Classification Scheme 2023. Collection method: clinical testing. Allele origin: germline.
Comment: The p.G293E variant (also known as c.878G>A), located in coding exon 9 of the SRP72 gene, results from a G to A substitution at nucleotide position 878. The glycine at codon 293 is replaced by glutamic acid, an amino acid with similar properties. This amino acid position is conserved. In addition, this alteration is predicted to be deleterious by in silico analysis. Based on the available evidence, the clinical significance of this variant remains unclear.

NM_006947.4(SRP72):c.878G>A (p.Gly293Glu)

Gene: SRP72 (signal recognition particle 72; plus strand). Cytogenetic location: 4q12.
Variant type: single nucleotide variant.
Coding change: c.878G>A on transcript NM_006947.4 (MANE Select); coding-DNA position 878, G replaced by A.
Protein change: p.Gly293Glu; replaces glycine 293 with glutamic acid.
Molecular consequence: missense variant. On other transcripts: non-coding transcript variant (1).
Genome position (GRCh38, 1-based): chr4:56,483,191, G>A. VCF-style: chr4-56483191-G-A. GRCh37 (hg19) VCF-style: chr4-57349357-G-A.
Other names: c.695G>A, p.Gly232Glu (NM_001267722.2); short protein forms G232E, G293E.
Identifiers: ClinVar variation 5030249 (VCV005030249.1).